The following is an entry in ClinVar:

ClinVar aggregate classification (germline): Uncertain significance (1 of 4 stars; one submission).

Allele frequency attached by ClinVar (database versions not stated): gnomAD exomes below 0.00001; TOPMed 0.00002.
gnomAD v4.1: 1 of 1,587,216 alleles (0.000063%); highest among the groups gnomAD compares: Admixed American, 0.0019%; no homozygotes.

Submission:

Labcorp Genetics (formerly Invitae), Labcorp
Classification: Uncertain significance. Last evaluated: 2023-08-07. Review status: criteria provided, single submitter. Criteria: Invitae Variant Classification Sherloc (09022015). Collection method: clinical testing. Allele origin: germline.
Comment: This sequence change replaces glutamine, which is neutral and polar, with proline, which is neutral and non-polar, at codon 454 of the PITRM1 protein (p.Gln454Pro). This variant is present in population databases (no rsID available, gnomAD 0.004%). This variant has not been reported in the literature in individuals affected with PITRM1-related conditions. An algorithm developed to predict the effect of missense changes on protein structure and function (PolyPhen-2) suggests that this variant is likely to be disruptive. In summary, the available evidence is currently insufficient to determine the role of this variant in disease. Therefore, it has been classified as a Variant of Uncertain Significance.

NM_014889.4(PITRM1):c.1457A>C (p.Gln486Pro)

Gene: PITRM1 (pitrilysin metallopeptidase 1; minus strand). Cytogenetic location: 10p15.2.
Variant type: single nucleotide variant.
Coding change: c.1457A>C on transcript NM_014889.4 (MANE Select); coding-DNA position 1457, A replaced by C.
Protein change: p.Gln486Pro; replaces glutamine 486 with proline.
Molecular consequence: missense variant. On other transcripts: non-coding transcript variant (4).
Genome position (GRCh38, 1-based): chr10:3,156,955, T>G on the plus strand (A>C on the coding strand, the complement: PITRM1 is on the minus strand). VCF-style: chr10-3156955-T-G. GRCh37 (hg19) VCF-style: chr10-3199147-T-G.
Other names: c.1457A>C, p.Gln486Pro (NM_001242307.2, NM_001347725.2); c.1361A>C, p.Gln454Pro (NM_001242309.1); c.842A>C, p.Gln281Pro (NM_001347726.2, NM_001347727.2); c.152A>C, p.Gln51Pro (NM_001347728.2); c.1433A>C, p.Gln478Pro (NM_001347729.1, NM_001347730.1); short protein forms Q281P, Q454P, Q478P, Q486P, Q51P.
Identifiers: ClinVar variation 2893485 (VCV002893485.3), dbSNP rs1446951775, ClinGen allele CA375874556.